The following is an entry in ClinVar:

ClinVar aggregate classification (germline): Conflicting classifications of pathogenicity. Review status: criteria provided, conflicting classifications (1 of 4 stars). 2 submissions from 2 submitters: Uncertain significance (1); Likely benign (1). Last evaluated 2025-10-14.

Conditions:
Primary ciliary dyskinesia. Also called: Ciliary dyskinesia. Identifiers: Orphanet 244, MedGen C0008780, MONDO:0016575, HP:0012265.

Allele frequency attached by ClinVar (database versions not stated): TOPMed 0.00002.
gnomAD v4.1: 60 of 1,613,918 alleles (0.0037%); highest among the groups gnomAD compares: South Asian, 0.0077%; no homozygotes.

Submissions (2):

Labcorp Genetics (formerly Invitae), Labcorp
Classification: Likely benign for Primary ciliary dyskinesia. Last evaluated: 2025-10-14. Review status: criteria provided, single submitter. Criteria: Invitae Variant Classification Sherloc (09022015). Collection method: clinical testing. Allele origin: germline.

GeneDx
Classification: Uncertain significance. Last evaluated: 2023-04-27. Review status: criteria provided, single submitter. Criteria: GeneDx Variant Classification Process June 2021. Collection method: clinical testing. Allele origin: germline. Affected: yes.
Comment: Not observed at significant frequency in large population cohorts (gnomAD); In silico analysis supports that this missense variant has a deleterious effect on protein structure/function; Has not been previously published as pathogenic or benign to our knowledge

NM_001277115.2(DNAH11):c.8023A>T (p.Ile2675Phe)

Gene: DNAH11 (dynein axonemal heavy chain 11; plus strand). Cytogenetic location: 7p15.3.
Variant type: single nucleotide variant.
Coding change: c.8023A>T on transcript NM_001277115.2 (MANE Select); coding-DNA position 8023, A replaced by T.
Protein change: p.Ile2675Phe; replaces isoleucine 2675 with phenylalanine.
Molecular consequence: missense variant.
Genome position (GRCh38, 1-based): chr7:21,742,035, A>T. VCF-style: chr7-21742035-A-T. GRCh37 (hg19) VCF-style: chr7-21781653-A-T.
Other names: short protein forms I2675F.
Identifiers: ClinVar variation 454709 (VCV000454709.11), dbSNP rs72657364, ClinGen allele CA4181446.